The following is an entry in ClinVar:

NM_004304.5(ALK):c.2755G>A (p.Gly919Arg)

Gene: ALK (ALK receptor tyrosine kinase; minus strand). Cytogenetic location: 2p23.2.
Variant type: single nucleotide variant.
Coding change: c.2755G>A on transcript NM_004304.5 (MANE Select); coding-DNA position 2755, G replaced by A.
Protein change: p.Gly919Arg; replaces glycine 919 with arginine.
Molecular consequence: missense variant.
Genome position (GRCh38, 1-based): chr2:29,228,944, C>T on the plus strand (G>A on the coding strand, the complement: ALK is on the minus strand). VCF-style: chr2-29228944-C-T. GRCh37 (hg19) VCF-style: chr2-29451810-C-T.
Other names: short protein forms G919R.
Identifiers: ClinVar variation 949739 (VCV000949739.10), dbSNP rs1664099541, ClinGen allele CA346469671.

ClinVar aggregate classification (germline): Uncertain significance. Review status: criteria provided, multiple submitters, no conflicts (2 of 4 stars). 2 submissions from 2 submitters: Uncertain significance (2). Last evaluated 2025-12-02.

Conditions:
Neuroblastoma, susceptibility to, 3. Also called: ALK-Related Neuroblastic Tumor Susceptibility. Identifiers: Orphanet 635, MedGen C2751681, MONDO:0013083, OMIM 613014.
Hereditary cancer-predisposing syndrome. Also called: Hereditary neoplastic syndrome; Tumor predisposition; Neoplastic Syndromes, Hereditary; Hereditary Cancer Syndrome. Identifiers: Orphanet 140162, MedGen C0027672, MeSH D009386, MONDO:0015356.

Allele frequency attached by ClinVar (database versions not stated): TOPMed below 0.00001.

Submissions (2):

Labcorp Genetics (formerly Invitae), Labcorp
Classification: Uncertain significance for Neuroblastoma, susceptibility to, 3. Last evaluated: 2025-12-02. Review status: criteria provided, single submitter. Criteria: Invitae Variant Classification Sherloc (09022015). Collection method: clinical testing. Allele origin: germline.
Comment: This sequence change replaces glycine, which is neutral and non-polar, with arginine, which is basic and polar, at codon 919 of the ALK protein (p.Gly919Arg). This variant is not present in population databases (gnomAD no frequency). This variant has not been reported in the literature in individuals affected with ALK-related conditions. ClinVar contains an entry for this variant (Variation ID: 949739). An algorithm developed to predict the effect of missense changes on protein structure and function (PolyPhen-2) suggests that this variant is likely to be disruptive. In summary, the available evidence is currently insufficient to determine the role of this variant in disease. Therefore, it has been classified as a Variant of Uncertain Significance.

Ambry Genetics
Classification: Uncertain significance for Hereditary cancer-predisposing syndrome. Last evaluated: 2023-12-14. Review status: criteria provided, single submitter. Criteria: Ambry Variant Classification Scheme 2023. Collection method: clinical testing. Allele origin: germline.
Comment: The p.G919R variant (also known as c.2755G>A), located in coding exon 16 of the ALK gene, results from a G to A substitution at nucleotide position 2755. The glycine at codon 919 is replaced by arginine, an amino acid with dissimilar properties. This amino acid position is conserved. In addition, the in silico prediction for this alteration is inconclusive. Since supporting evidence is limited at this time, the clinical significance of this alteration remains unclear.